The following is an entry in ClinVar:

NM_000334.4(SCN4A):c.5216G>A (p.Arg1739His)

Genes: GH-LCR (growth hormone locus control region; plus strand), SCN4A (sodium voltage-gated channel alpha subunit 4; minus strand). Cytogenetic location: 17q23.3.
Variant type: single nucleotide variant.
Coding change: c.5216G>A on transcript NM_000334.4 (MANE Select); coding-DNA position 5216, G replaced by A.
Protein change: p.Arg1739His; replaces arginine 1739 with histidine.
Molecular consequence: missense variant.
Genome position (GRCh38, 1-based): chr17:63,941,066, C>T on the plus strand (G>A on the coding strand, the complement: SCN4A is on the minus strand). VCF-style: chr17-63941066-C-T. GRCh37 (hg19) VCF-style: chr17-62018426-C-T.
Other names: short protein forms R1739H.
Identifiers: ClinVar variation 1436588 (VCV001436588.7), dbSNP rs1388841552, ClinGen allele CA400613394.

ClinVar aggregate classification (germline): Uncertain significance. Review status: criteria provided, multiple submitters, no conflicts (2 of 4 stars). 2 submissions from 2 submitters: Uncertain significance (2). Last evaluated 2024-07-21.

Conditions:
Inborn genetic diseases. Identifiers: MedGen C0950123, MeSH D030342.
Hyperkalemic periodic paralysis. Also called: Familial hyperkalemic periodic paralysis; Gamstorp disease. Identifiers: Orphanet 682, MedGen C0238357, MONDO:0008224, OMIM 170500, HP:0007215.

Allele frequency attached by ClinVar (database versions not stated): gnomAD 0.00001.

Submissions (2):

Labcorp Genetics (formerly Invitae), Labcorp
Classification: Uncertain significance for Hyperkalemic periodic paralysis. Last evaluated: 2024-07-21. Review status: criteria provided, single submitter. Criteria: Invitae Variant Classification Sherloc (09022015). Collection method: clinical testing. Allele origin: germline.
Comment: This sequence change replaces arginine, which is basic and polar, with histidine, which is basic and polar, at codon 1739 of the SCN4A protein (p.Arg1739His). This variant is present in population databases (no rsID available, gnomAD 0.006%). This variant has not been reported in the literature in individuals affected with SCN4A-related conditions. ClinVar contains an entry for this variant (Variation ID: 1436588). Advanced modeling of protein sequence and biophysical properties (such as structural, functional, and spatial information, amino acid conservation, physicochemical variation, residue mobility, and thermodynamic stability) performed at Invitae indicates that this missense variant is expected to disrupt SCN4A protein function with a positive predictive value of 95%. In summary, the available evidence is currently insufficient to determine the role of this variant in disease. Therefore, it has been classified as a Variant of Uncertain Significance.

Ambry Genetics
Classification: Uncertain significance for Inborn genetic diseases. Last evaluated: 2024-07-14. Review status: criteria provided, single submitter. Criteria: Ambry Variant Classification Scheme 2023. Collection method: clinical testing. Allele origin: germline.